The following is an entry in ClinVar:

NM_014975.3(MAST1):c.2094C>T (p.Pro698=)

Gene: MAST1 (microtubule associated serine/threonine kinase 1; plus strand). Cytogenetic location: 19p13.13.
Variant type: single nucleotide variant.
Coding change: c.2094C>T on transcript NM_014975.3 (MANE Select); coding-DNA position 2094, C replaced by T.
Protein change: p.Pro698=; no amino-acid change (proline 698 retained).
Molecular consequence: synonymous variant.
Genome position (GRCh38, 1-based): chr19:12,866,717, C>T. VCF-style: chr19-12866717-C-T. GRCh37 (hg19) VCF-style: chr19-12977531-C-T.
Identifiers: ClinVar variation 2172747 (VCV002172747.28), dbSNP rs148936558, ClinGen allele CA9233034.
Genomic context (GRCh38, chr19:12,866,717, plus strand): 5'-CTCAGACAGGTATCACCACGTGAACTCCTATGACGAGGATGACACGACGGAGGAGGAGCC[C>T]GTGGAAATCCGCCAGTTCTCTTCCTGCTCTCCGCGCTTCAGCAAGGTGGGCCAAGTCTGG-3'
Protein context (NP_055790.1, residues 688-708): YDEDDTTEEE[Pro698=]VEIRQFSSCS

ClinVar aggregate classification (germline): Likely benign. Review status: criteria provided, multiple submitters, no conflicts (2 of 4 stars). 2 submissions from 2 submitters: Likely benign (2). Last evaluated 2025-11-03.

Allele frequency attached by ClinVar (database versions not stated): gnomAD exomes 0.00004; TOPMed 0.00006; ESP Exome Variant Server 0.00008; gnomAD 0.00008; ExAC 0.00011.

Submissions (2):

Labcorp Genetics (formerly Invitae), Labcorp
Classification: Likely benign. Last evaluated: 2025-11-03. Review status: criteria provided, single submitter. Criteria: Invitae Variant Classification Sherloc (09022015). Collection method: clinical testing. Allele origin: germline.

CeGaT Center for Human Genetics Tuebingen
Classification: Likely benign. Last evaluated: 2023-01-01. Review status: criteria provided, single submitter. Criteria: CeGaT Center For Human Genetics Tuebingen Variant Classification Criteria Version 2. Collection method: clinical testing. Allele origin: germline. Affected: yes. Observed: 1 variant allele.
Comment: MAST1: BP4, BP7